The following is an entry in ClinVar:

ClinVar aggregate classification (germline): Uncertain significance (1 of 4 stars; one submission).

Submission:

GeneDx
Classification: Uncertain significance. Last evaluated: 2022-10-25. Review status: criteria provided, single submitter. Criteria: GeneDx Variant Classification Process June 2021. Collection method: clinical testing. Allele origin: germline. Affected: yes.
Comment: Not observed at significant frequency in large population cohorts (gnomAD); In silico analysis supports that this missense variant has a deleterious effect on protein structure/function; Has not been previously published as pathogenic or benign to our knowledge

NM_001099922.3(ALG13):c.2337T>G (p.Asn779Lys)

Gene: ALG13 (ALG13 UDP-N-acetylglucosaminyltransferase subunit; plus strand). Cytogenetic location: Xq23.
Variant type: single nucleotide variant.
Coding change: c.2337T>G on transcript NM_001099922.3 (MANE Select); coding-DNA position 2337, T replaced by G.
Protein change: p.Asn779Lys; replaces asparagine 779 with lysine.
Molecular consequence: missense variant. On other transcripts: non-coding transcript variant (1).
Genome position (GRCh38, 1-based): chrX:111,728,274, T>G. VCF-style: chrX-111728274-T-G. GRCh37 (hg19) VCF-style: chrX-110971502-T-G.
Other names: c.2025T>G, p.Asn675Lys (NM_001257230.2, NM_001257234.2, NM_001257237.2); c.2103T>G, p.Asn701Lys (NM_001257231.2); c.2337T>G, p.Asn779Lys (NM_001324292.2); c.1851T>G, p.Asn617Lys (NM_001324293.1); short protein forms N617K, N675K, N701K, N779K.
Identifiers: ClinVar variation 2500470 (VCV002500470.1), dbSNP rs2525974754, ClinGen allele CA414253807.